The following is an entry in ClinVar:

ClinVar aggregate classification (germline): Uncertain significance. Review status: criteria provided, multiple submitters, no conflicts (2 of 4 stars). 10 submissions from 10 submitters: Uncertain significance (10). Last evaluated 2026-08-27.

Conditions:
Familial ovarian cancer. Identifiers: MedGen C5679802, MONDO:0016248.
BRIP1-related disorder. Also called: BRIP1-related condition; BRIP1-related disorders. Identifiers: MedGen CN239206.
Hereditary cancer-predisposing syndrome. Also called: Neoplastic Syndromes, Hereditary; Tumor predisposition; Hereditary Cancer Syndrome; Hereditary neoplastic syndrome. Identifiers: Orphanet 140162, MedGen C0027672, MeSH D009386, MONDO:0015356.
Familial cancer of breast. Also called: hereditary breast carcinoma; Hereditary breast cancer; BREAST CANCER, FAMILIAL. Identifiers: Orphanet 227535, MedGen C0346153, MONDO:0016419, OMIM 114480. Disease mechanism: loss of function.
Fanconi anemia complementation group J. Also called: BRIP1-Related Fanconi Anemia. Identifiers: Orphanet 84, MedGen C1836860, MONDO:0012187, OMIM 609054.

Allele frequency attached by ClinVar (database versions not stated): gnomAD 0.00001; TOPMed 0.00001; ExAC 0.00002; gnomAD exomes 0.00002 and 0.00004.
gnomAD v4.1: 61 of 1,607,944 alleles (0.0038%); highest among the groups gnomAD compares: African/African-American, 0.0054%; no homozygotes.

Submissions (10):

PreventionGenetics, part of Exact Sciences
Classification: Uncertain significance for BRIP1-related condition. Last evaluated: 2026-08-27. Review status: criteria provided, single submitter. Criteria: ACMG Guidelines, 2015. Collection method: clinical testing. Allele origin: germline.
Comment: The BRIP1 c.1441G>T variant is predicted to result in the amino acid substitution p.Gly481Cys. This variant has been reported in individuals with pancreatic and breast cancer (Couch et al. 2015. PubMed ID: 25452441; Shindo et al. 2017. PubMed ID: 28767289; Easton et al. 2016. PubMed ID: 26921362). This variant is reported in 0.0055% of alleles in individuals of East Asian descent in gnomAD and is interpreted as uncertain in ClinVar (Variation ID: 128158). At this time, the clinical significance of this variant is uncertain due to the absence of conclusive functional and genetic evidence.

Labcorp Genetics (formerly Invitae), Labcorp
Classification: Uncertain significance for Familial cancer of breast; Fanconi anemia complementation group J. Last evaluated: 2025-12-14. Review status: criteria provided, single submitter. Criteria: Invitae Variant Classification Sherloc (09022015). Collection method: clinical testing. Allele origin: germline.
Comment: This sequence change replaces glycine, which is neutral and non-polar, with cysteine, which is neutral and slightly polar, at codon 481 of the BRIP1 protein (p.Gly481Cys). The frequency data for this variant in the population databases is considered unreliable, as metrics indicate poor data quality at this position in the gnomAD database. This missense change has been observed in individual(s) with breast cancer and/or pancreatic cancer (PMID: 25452441, 28767289). ClinVar contains an entry for this variant (Variation ID: 128158). Invitae Evidence Modeling of protein sequence and biophysical properties (such as structural, functional, and spatial information, amino acid conservation, physicochemical variation, residue mobility, and thermodynamic stability) has been performed for this missense variant. However, the output from this modeling did not meet the statistical confidence thresholds required to predict the impact of this variant on BRIP1 protein function. In summary, the available evidence is currently insufficient to determine the role of this variant in disease. Therefore, it has been classified as a Variant of Uncertain Significance.

Color Diagnostics, LLC DBA Color Health
Classification: Uncertain significance for Hereditary cancer-predisposing syndrome. Last evaluated: 2025-03-24. Review status: criteria provided, single submitter. Criteria: ACMG Guidelines, 2015. Collection method: clinical testing. Allele origin: germline.
Comment: This missense variant replaces glycine with cysteine at codon 481 of the BRIP1 protein. Computational prediction suggests that this variant may have deleterious impact on protein structure and function. To our knowledge, functional studies have not been reported for this variant. This variant has been reported in an individual affected with breast cancer (PMID: 25452441) and in an individual affected with pancreatic cancer (PMID: 28767289). In an international breast cancer case-control meta-analysis, this variant was detected in 2/60466 cases and 1/53461 unaffected controls (PMID: 33471991). This variant has been identified in 4/243620 chromosomes in the general population by the Genome Aggregation Database (gnomAD). The available evidence is insufficient to determine the role of this variant in disease conclusively. Therefore, this variant is classified as a Variant of Uncertain Significance.

Ambry Genetics
Classification: Uncertain significance for Hereditary cancer-predisposing syndrome. Last evaluated: 2024-12-02. Review status: criteria provided, single submitter. Criteria: Ambry Variant Classification Scheme 2023. Collection method: clinical testing. Allele origin: germline.
Comment: The p.G481C variant (also known as c.1441G>T), located in coding exon 9 of the BRIP1 gene, results from a G to T substitution at nucleotide position 1441. The glycine at codon 481 is replaced by cysteine, an amino acid with highly dissimilar properties. This variant was reported in cohort of 1824 patients with triple negative breast cancer who were unselected for family history of breast or ovarian cancer and in 1/854 patients with apparently sporadic pancreatic ductal adenocarcinoma (Couch FJ et al. J. Clin. Oncol. 2015 Feb;33:304-11; Shindo K et al. J. Clin. Oncol. 2017 Oct;35:3382-3390). This variant was also identified in a cohort of 3,579 African males diagnosed with prostate cancer who underwent multi-gene panel testing of 19 DNA repair and cancer predisposition genes(Matejcic M et al. JCO Precis Oncol 2020 Jan;4:32-43). This amino acid position is highly conserved in available vertebrate species. In addition, this alteration is predicted to be deleterious by in silico analysis. Since supporting evidence is limited at this time, the clinical significance of this alteration remains unclear.

Molecular Pathology, Peter Maccallum Cancer Centre
Classification: Uncertain significance for Familial ovarian cancer. Last evaluated: 2024-07-02. Review status: criteria provided, single submitter. Criteria: ACMG Guidelines, 2015. Collection method: clinical testing. Allele origin: germline. Inheritance: Autosomal dominant inheritance.

Baylor Genetics
Classification: Uncertain significance for Familial cancer of breast. Last evaluated: 2024-03-01. Review status: criteria provided, single submitter. Criteria: ACMG Guidelines, 2015. Collection method: clinical testing. Allele origin: unknown.

GeneDx
Classification: Uncertain significance. Last evaluated: 2023-07-06. Review status: criteria provided, single submitter. Criteria: GeneDx Variant Classification Process June 2021. Collection method: clinical testing. Allele origin: germline. Affected: yes.
Comment: Not observed at significant frequency in large population cohorts (gnomAD); In silico analysis supports that this missense variant has a deleterious effect on protein structure/function; Identified in individuals with a personal history of breast or pancreatic cancer (Couch et al., 2015; Shindo et al., 2017; Easton et al., 2016; Dorling et al., 2021); This variant is associated with the following publications: (PMID: 25452441, 32659497, 29285234, 28767289, 26921362, 33471991)

Sema4
Classification: Uncertain significance for Hereditary cancer-predisposing syndrome. Last evaluated: 2022-03-15. Review status: criteria provided, single submitter. Criteria: Sema4 Curation Guidelines. Collection method: curation. Allele origin: germline.
Comment: The BRIP1 c.1441G>T (p.G481C) variant has been reported in heterozygosity in at least four individuals with breast cancer, one with pancreatic cancer, and one healthy control (PMID: 25452441, 32659497, 33471991, 26921362). It was observed in 1/18096 chromosomes of the East Asian subpopulation in the Genome Aggregation Database (PMID: 32461654). The variant has been reported in ClinVar (Variation ID 128158). In silico tools suggest that the impact of the variant on protein function is deleterious, though these predictions have not been confirmed by functional studies. The evidence is insufficient to meet ACMG/AMP criteria for classifying the variant as benign or pathogenic. Thus, the clinical significance of this variant is currently uncertain.

Department of Pathology and Laboratory Medicine, Sinai Health System
Classification: Uncertain significance for familial ovarian cancer. Last evaluated: 2019-12-19. Review status: criteria provided, single submitter. Criteria: ACMG Guidelines, 2015. Collection method: clinical testing. Allele origin: germline. Affected: no.

Quest Diagnostics Nichols Institute San Juan Capistrano
Classification: Uncertain significance. Last evaluated: 2018-09-24. Review status: criteria provided, single submitter. Criteria: Quest Diagnostics criteria. Collection method: clinical testing. Allele origin: germline.

Literature cited by the submitters: PubMed 25452441 (cited by 6 submitters); PubMed 28767289 (cited by 5 submitters); PubMed 33471991 (cited by Color Diagnostics, LLC DBA Color Health and Sema4); PubMed 32659497 (cited by Sema4); PubMed 26921362 (cited by Sema4).

NM_032043.3(BRIP1):c.1441G>T (p.Gly481Cys)

Gene: BRIP1 (BRCA1 interacting DNA helicase 1; minus strand). Cytogenetic location: 17q23.2.
Variant type: single nucleotide variant.
Coding change: c.1441G>T on transcript NM_032043.3 (MANE Select); coding-DNA position 1441, G replaced by T.
Protein change: p.Gly481Cys; replaces glycine 481 with cysteine.
Molecular consequence: missense variant.
Genome position (GRCh38, 1-based): chr17:61,793,629, C>A on the plus strand (G>T on the coding strand, the complement: BRIP1 is on the minus strand). VCF-style: chr17-61793629-C-A. GRCh37 (hg19) VCF-style: chr17-59870990-C-A.
Other names: p.G481C:GGT>TGT; short protein forms G481C.
Identifiers: ClinVar variation 128158 (VCV000128158.31), dbSNP rs587780229, ClinGen allele CA288520.
Genomic context (GRCh38, chr17:61,793,629, plus strand): 5'-CGTTTCACAGGTAGAAAAAATATCTTACCTGCAAAATGGGAAAAGTAGCAGTGGTGATAC[C>A]CATTTTGTGTAAAGTTAAGAGCATTTCATTTCCACTCCATATTTTACAAGCTGATTCATA-3'
Protein context (NP_114432.2, residues 471-491): NEMLLTLHKM[Gly481Cys]ITTATFPILQ